The following is an entry in ClinVar:

NM_152328.5(ADSS1):c.740C>G (p.Pro247Arg)

Gene: ADSS1 (adenylosuccinate synthase 1; plus strand). Cytogenetic location: 14q32.33.
Variant type: single nucleotide variant.
Coding change: c.740C>G on transcript NM_152328.5 (MANE Select); coding-DNA position 740, C replaced by G.
Protein change: p.Pro247Arg; replaces proline 247 with arginine.
Molecular consequence: missense variant.
Genome position (GRCh38, 1-based): chr14:104,741,190, C>G. VCF-style: chr14-104741190-C-G. GRCh37 (hg19) VCF-style: chr14-105207527-C-G.
Other names: c.125C>G, p.Pro42Arg (NM_001320424.1); c.869C>G, p.Pro290Arg (NM_199165.2); c.869C>G (NM_199165.1); short protein forms P247R, P290R, P42R.
Identifiers: ClinVar variation 1681963 (VCV001681963.4), dbSNP rs140869903, ClinGen allele CA7373830.

ClinVar aggregate classification (germline): Uncertain significance. Review status: criteria provided, multiple submitters, no conflicts (2 of 4 stars). 2 submissions from 2 submitters: Uncertain significance (2). Last evaluated 2025-03-26.

Conditions:
Inborn genetic diseases. Identifiers: MedGen C0950123, MeSH D030342.

Allele frequency attached by ClinVar (database versions not stated): ESP Exome Variant Server 0.00023.
gnomAD v4.1: 66 of 1,612,012 alleles (0.0041%); highest among the groups gnomAD compares: African/African-American, 0.029%; no homozygotes.

Submissions (2):

Ambry Genetics
Classification: Uncertain significance for Inborn genetic diseases. Last evaluated: 2025-03-26. Review status: criteria provided, single submitter. Criteria: Ambry Variant Classification Scheme 2023. Collection method: clinical testing. Allele origin: germline.

Labcorp Genetics (formerly Invitae), Labcorp
Classification: Uncertain significance. Last evaluated: 2022-07-21. Review status: criteria provided, single submitter. Criteria: Invitae Variant Classification Sherloc (09022015). Collection method: clinical testing. Allele origin: germline.
Comment: This sequence change replaces proline, which is neutral and non-polar, with arginine, which is basic and polar, at codon 290 of the ADSSL1 protein (p.Pro290Arg). This variant is present in population databases (rs140869903, gnomAD 0.04%). This variant has not been reported in the literature in individuals affected with ADSSL1-related conditions. ClinVar contains an entry for this variant (Variation ID: 1681963). Algorithms developed to predict the effect of missense changes on protein structure and function are either unavailable or do not agree on the potential impact of this missense change (SIFT: "Not Available"; PolyPhen-2: "Possibly Damaging"; Align-GVGD: "Not Available"). In summary, the available evidence is currently insufficient to determine the role of this variant in disease. Therefore, it has been classified as a Variant of Uncertain Significance.